The following is an entry in ClinVar:

NM_016222.4(DDX41):c.639dup (p.Thr214fs)

Gene: DDX41 (DEAD-box helicase 41; minus strand). Cytogenetic location: 5q35.3.
Variant type: Duplication.
Coding change: c.639dup on transcript NM_016222.4 (MANE Select); coding-DNA position 639, one base duplicated (C; older notation c.639dupC).
Protein change: p.Thr214fs; shifts the reading frame from threonine 214.
Molecular consequence: frameshift variant.
Genome position (GRCh38, 1-based): chr5:177,515,191, G duplicated on the plus strand (C on the coding strand, the reverse complement: DDX41 is on the minus strand); the first of 4 consecutive G bases (chr5:177,515,191-177,515,194); duplicating any one gives the same sequence. VCF-style (leftmost placement, unchanged base first): chr5-177515190-T-TG. GRCh37 (hg19) VCF-style: chr5-176942191-T-TG.
Other names: c.261dup, p.Thr88fs (NM_001321732.2, NM_001321830.2); short protein forms T214fs, T88fs.
Identifiers: ClinVar variation 4238720 (VCV004238720.1).

ClinVar aggregate classification (germline): Pathogenic (1 of 4 stars; one submission).

Conditions:
Inborn genetic diseases. Identifiers: MedGen C0950123, MeSH D030342.

Submission:

Ambry Genetics
Classification: Pathogenic for Inborn genetic diseases. Last evaluated: 2025-06-27. Review status: criteria provided, single submitter. Criteria: Ambry Variant Classification Scheme 2023. Collection method: clinical testing. Allele origin: germline.
Comment: The c.639dupC pathogenic mutation, located in coding exon 7 of the DDX41 gene, results from a duplication of C at nucleotide position 639, causing a translational frameshift with a predicted alternate stop codon (p.T214Hfs*7). This variant is considered to be rare based on population cohorts in the Genome Aggregation Database (gnomAD). This alteration is expected to result in loss of function by premature protein truncation or nonsense-mediated mRNA decay. As such, this alteration is interpreted as a disease-causing mutation.